The following is an entry in ClinVar:

NM_001018115.3(FANCD2):c.4120A>G (p.Met1374Val)

Genes: FANCD2 (FA complementation group D2; plus strand), FANCD2OS (FANCD2 opposite strand; minus strand). Cytogenetic location: 3p25.3.
Variant type: single nucleotide variant.
Coding change: c.4120A>G on transcript NM_001018115.3 (MANE Select); coding-DNA position 4120, A replaced by G.
Protein change: p.Met1374Val; replaces methionine 1374 with valine.
Molecular consequence: missense variant. On other transcripts: intron variant (1).
Genome position (GRCh38, 1-based): chr3:10,096,407, A>G. VCF-style: chr3-10096407-A-G. GRCh37 (hg19) VCF-style: chr3-10138091-A-G.
Other names: c.4120A>G, p.Met1374Val (NM_001319984.2, NM_033084.6); c.4009A>G, p.Met1337Val (NM_001374253.1); c.4081A>G, p.Met1361Val (NM_001374254.1); c.*43+7791T>C (NM_173472.2); short protein forms M1337V, M1361V, M1374V.
Identifiers: ClinVar variation 2160936 (VCV002160936.3), dbSNP rs151055132, ClinGen allele CA70038137.

ClinVar aggregate classification (germline): Uncertain significance. Review status: criteria provided, multiple submitters, no conflicts (2 of 4 stars). 3 submissions from 3 submitters: Uncertain significance (3). Last evaluated 2025-05-12.

Conditions:
Inborn genetic diseases. Identifiers: MedGen C0950123, MeSH D030342.
Fanconi anemia (FA). Also called: Fanconi's anemia. Identifiers: Orphanet 84, MedGen C0015625, MeSH D005199, MONDO:0019391.
Fanconi anemia complementation group D2. Also called: FANCD2-Related Fanconi Anemia; FANCONI PANCYTOPENIA, TYPE 4; FANCONI ANEMIA, COMPLEMENTATION GROUP D. Identifiers: Orphanet 84, MedGen C3160738, MONDO:0009214, OMIM 227646.

Allele frequency attached by ClinVar (database versions not stated): TOPMed 0.00005; gnomAD exomes below 0.00001; gnomAD 0.00002; ESP Exome Variant Server 0.00008.
gnomAD v4.1: 10 of 1,614,026 alleles (0.00062%); highest among the groups gnomAD compares: African/African-American, 0.011%; no homozygotes.

Submissions (3):

Labcorp Genetics (formerly Invitae), Labcorp
Classification: Uncertain significance for Fanconi anemia. Last evaluated: 2025-05-12. Review status: criteria provided, single submitter. Criteria: Invitae Variant Classification Sherloc (09022015). Collection method: clinical testing. Allele origin: germline.
Comment: This sequence change replaces methionine, which is neutral and non-polar, with valine, which is neutral and non-polar, at codon 1374 of the FANCD2 protein (p.Met1374Val). This variant is present in population databases (rs151055132, gnomAD 0.004%). This variant has not been reported in the literature in individuals affected with FANCD2-related conditions. ClinVar contains an entry for this variant (Variation ID: 2160936). Invitae Evidence Modeling of protein sequence and biophysical properties (such as structural, functional, and spatial information, amino acid conservation, physicochemical variation, residue mobility, and thermodynamic stability) has been performed for this missense variant. However, the output from this modeling did not meet the statistical confidence thresholds required to predict the impact of this variant on FANCD2 protein function. In summary, the available evidence is currently insufficient to determine the role of this variant in disease. Therefore, it has been classified as a Variant of Uncertain Significance.

Ambry Genetics
Classification: Uncertain significance for Inborn genetic diseases. Last evaluated: 2024-10-07. Review status: criteria provided, single submitter. Criteria: Ambry Variant Classification Scheme 2023. Collection method: clinical testing. Allele origin: germline.

Fulgent Genetics
Classification: Uncertain significance for Fanconi anemia complementation group D2. Last evaluated: 2024-04-10. Review status: criteria provided, single submitter. Criteria: ACMG Guidelines, 2015. Collection method: clinical testing. Allele origin: germline.